The following is an entry in ClinVar:

ClinVar aggregate classification (germline): Likely benign (1 of 4 stars; one submission).

Submission:

CeGaT Center for Human Genetics Tuebingen
Classification: Likely benign. Last evaluated: 2026-07-01. Review status: criteria provided, single submitter. Criteria: CeGaT Center For Human Genetics Tuebingen Variant Classification Criteria Version 2. Collection method: clinical testing. Allele origin: germline. Affected: yes. Observed: 1 variant allele.
Comment: SEC63: BP4

NM_007214.5(SEC63):c.340-7_340-6insTTCCC

Gene: SEC63 (SEC63 protein translocation regulator; minus strand). Cytogenetic location: 6q21.
Variant type: Insertion.
Coding change: c.340-7_340-6insTTCCC on transcript NM_007214.5 (MANE Select); 7 bases into the intron before coding-DNA position 340 through 6 bases into the intron before coding-DNA position 340, TTCCC inserted.
Molecular consequence: intron variant.
Genome position: GRCh38 VCF-style: chr6-107921915-G-GGGGAA. GRCh37 (hg19) VCF-style: chr6-108243119-G-GGGGAA.
Identifiers: ClinVar variation 5038669 (VCV005038669.1).